The following is an entry in ClinVar:

ClinVar aggregate classification (germline): Likely pathogenic. Review status: criteria provided, single submitter (1 of 4 stars). 2 submissions from 2 submitters: Likely pathogenic (1). 1 of the submissions does not count toward it. Last evaluated 2021-01-09.

Conditions:
Bilateral renal agenesis. Also called: Bilateral Kidney Agenesis. Identifiers: Orphanet 1848, MedGen C1609433, MONDO:0015986, HP:0010958.
Neurooculorenal syndrome (NORS). Identifiers: MedGen C5830377, MONDO:0957210, OMIM 620305.

Submissions (2):

Institute of Human Genetics, University of Leipzig Medical Center
Classification: Likely pathogenic for Bilateral renal agenesis. Last evaluated: 2021-01-09. Review status: criteria provided, single submitter. Criteria: ACMG Guidelines, 2015. Collection method: curation. Allele origin: germline. Inheritance: Autosomal recessive inheritance. Affected: yes.
Comment: (PMID: 29194579 (rasmussen2017)). Inheritance was reported as recessive (compound-heterozygous) (maternal). The variant was reviewed according to current ACMG recommendations and classified as Likely Pathogenic (criteria: PVS1_VeryStrong, PM2_Supporting) at the variant level; the gene-disease association is currently not established in curated databases.

OMIM
Classification: Pathogenic for NEUROOCULORENAL SYNDROME. Last evaluated: 2023-04-05. Review status: no assertion criteria provided. Collection method: literature only. Allele origin: germline. Not counted in ClinVar's aggregate classification.

Literature cited by the submitters: PubMed 29194579 (cited by Institute of Human Genetics, University of Leipzig Medical Center and OMIM).

NM_002941.4(ROBO1):c.4823C>G (p.Ser1608Ter)

Gene: ROBO1 (roundabout guidance receptor 1; minus strand). Cytogenetic location: 3p12.3.
Variant type: single nucleotide variant.
Coding change: c.4823C>G on transcript NM_002941.4 (MANE Select); coding-DNA position 4823, C replaced by G.
Protein change: p.Ser1608Ter; replaces serine 1608 with a stop codon.
Molecular consequence: nonsense.
Genome position (GRCh38, 1-based): chr3:78,600,231, G>C on the plus strand (C>G on the coding strand, the complement: ROBO1 is on the minus strand). VCF-style: chr3-78600231-G-C. GRCh37 (hg19) VCF-style: chr3-78649381-G-C.
Other names: c.4523C>G, p.Ser1508Ter (NM_001145845.2); c.4688C>G, p.Ser1563Ter (NM_133631.4); short protein forms S1508*, S1563*, S1608*.
Identifiers: ClinVar variation 996101 (VCV000996101.2), dbSNP rs1703089925, ClinGen allele CA353682967.